The following is an entry in ClinVar:

ClinVar aggregate classification (germline): Pathogenic. Review status: criteria provided, multiple submitters, no conflicts (2 of 4 stars). 2 submissions from 2 submitters: Pathogenic (2). Last evaluated 2026-09-08.

Conditions:
Fabry disease. Also called: Ceramide trihexosidosis; ALPHA-GALACTOSIDASE A DEFICIENCY; ANDERSON-FABRY DISEASE; CERAMIDE TRIHEXOSIDASE DEFICIENCY; GLA DEFICIENCY; HEREDITARY DYSTOPIC LIPIDOSIS. Identifiers: Orphanet 324, MedGen C0002986, MONDO:0010526, OMIM 301500, HP:0001071. Disease mechanism: Fabry disease is due to inactivating mutations in the X-linked GLA gene resulting in deficiency of the enzyme Alpha Galactosidase-A., loss of function.

Submissions (2):

Genomenon, Inc
Classification: Pathogenic for Fabry disease. Last evaluated: 2026-09-08. Review status: criteria provided, single submitter. Criteria: Genomenon Sequence Variant Interpretation Standards - Updated. Collection method: curation. Allele origin: germline. Affected: yes.
Comment: GLA c.547+1G>A is a canonical splice variant affecting the donor splice site of intron 3. It is predicted to affect mRNA splicing, leading to a deleterious effect on the GLA protein. This variant has been observed in at least one proband with clinical features consistent with Fabry disease (PMID:28682471;27585509;36411388;36143092;12920095;31649303;12668521;10916280;18445046;29853467). At least one splicing study has demonstrated that this variant results in aberrant splicing (PMID:12920095). It is absent or not present at a significant frequency in gnomAD. In conclusion, we classify GLA c.547+1G>A as a pathogenic variant.

Labcorp Genetics (formerly Invitae), Labcorp
Classification: Pathogenic for Fabry disease. Last evaluated: 2021-11-05. Review status: criteria provided, single submitter. Criteria: Invitae Variant Classification Sherloc (09022015). Collection method: clinical testing. Allele origin: germline.
Comment: This sequence change affects a donor splice site in intron 3 of the GLA gene. It is expected to disrupt RNA splicing. Variants that disrupt the donor or acceptor splice site typically lead to a loss of protein function (PMID: 16199547), and loss-of-function variants in GLA are known to be pathogenic (PMID: 10666480, 12175777). For these reasons, this variant has been classified as Pathogenic. Algorithms developed to predict the effect of sequence changes on RNA splicing suggest that this variant may disrupt the consensus splice site. Disruption of this splice site has been observed in individuals with Fabry disease (PMID: 10916280, 30477121). This variant is not present in population databases (gnomAD no frequency).

Literature cited by the submitters: PubMed 28682471 (cited by Genomenon, Inc); PubMed 27585509 (cited by Genomenon, Inc); PubMed 36411388 (cited by Genomenon, Inc); PubMed 36143092 (cited by Genomenon, Inc); PubMed 12920095 (cited by Genomenon, Inc); PubMed 31649303 (cited by Genomenon, Inc); PubMed 12668521 (cited by Genomenon, Inc); PubMed 10916280 (cited by Genomenon, Inc and Labcorp Genetics (formerly Invitae), Labcorp); PubMed 18445046 (cited by Genomenon, Inc); PubMed 29853467 (cited by Genomenon, Inc); PubMed 16199547 (cited by Labcorp Genetics (formerly Invitae), Labcorp); PubMed 10666480 (cited by Labcorp Genetics (formerly Invitae), Labcorp); PubMed 12175777 (cited by Labcorp Genetics (formerly Invitae), Labcorp); PubMed 30477121 (cited by Labcorp Genetics (formerly Invitae), Labcorp).

NM_000169.3(GLA):c.547+1G>A

Genes: GLA (galactosidase alpha; minus strand), RPL36A-HNRNPH2 (RPL36A-HNRNPH2 readthrough; plus strand). Cytogenetic location: Xq22.1.
Variant type: single nucleotide variant.
Coding change: c.547+1G>A on transcript NM_000169.3 (MANE Select); the canonical splice donor site of the intron after coding-DNA position 547, G replaced by A.
Molecular consequence: splice donor variant. On other transcripts: missense variant (1), intron variant (2).
Genome position (GRCh38, 1-based): chrX:101,401,631, C>T on the plus strand (G>A on the coding strand, the complement: GLA is on the minus strand). VCF-style: chrX-101401631-C-T. GRCh37 (hg19) VCF-style: chrX-100656619-C-T.
Other names: c.671G>A, p.Gly224Asp (NM_001406749.1); c.300+6174C>T (NM_001199973.2); c.177+9809C>T (NM_001199974.2); c.670+1G>A (NM_001406747.1); c.547+1G>A (NM_001406748.1); short protein forms G224D.
Identifiers: ClinVar variation 1455606 (VCV001455606.8), dbSNP rs869312320, ClinGen allele CA352933.